The following is an entry in ClinVar:

NM_053274.3(GLMN):c.336del (p.Glu112fs)

Gene: GLMN (glomulin, FKBP associated protein; minus strand). Cytogenetic location: 1p22.1.
Variant type: Deletion.
Coding change: c.336del on transcript NM_053274.3 (MANE Select); coding-DNA position 336, one base deleted (G; older notation c.336delG).
Protein change: p.Glu112fs; shifts the reading frame from glutamic acid 112.
Molecular consequence: frameshift variant. On other transcripts: non-coding transcript variant (1).
Genome position (GRCh38, 1-based): chr1:92,290,256, C deleted on the plus strand (G on the coding strand, the reverse complement: GLMN is on the minus strand). VCF-style (leftmost placement, unchanged base first): chr1-92290255-GC-G. GRCh37 (hg19) VCF-style: chr1-92755812-GC-G.
Other names: c.336del, p.Glu112fs (NM_001319683.2); short protein forms E112fs.
Identifiers: ClinVar variation 1691364 (VCV001691364.2), dbSNP rs2101037835, ClinGen allele CA2573132616.

ClinVar aggregate classification (germline): Pathogenic (1 of 4 stars; one submission).

Submission:

Seattle Children's Hospital Molecular Genetics Laboratory, Seattle Children's Hospital
Classification: Pathogenic. Last evaluated: 2020-08-03. Review status: criteria provided, single submitter. Criteria: ACMG Guidelines, 2015. Collection method: clinical testing. Allele origin: germline. Affected: yes.
Comment: A heterozygous, pathogenic variant was identified in exon 5 of the GLMN gene (NM_053274.2:c.336delG, p.Glu112Aspfs*21). The deletion of one nucleotide causes a translational frameshift. The first amino acid altered is at position 112 of the protein, in which aspartic acid replaces glutamic acid, and there is a premature stop codon 21 amino acids downstream of this altered amino acid. This variant has not been reported in large population cohorts (gnomAD v2.1.1) nor in patient or gene-specific databases. To our knowledge, this variant is absent from the current medical literature.